The following is an entry in ClinVar:

ClinVar aggregate classification (germline): Uncertain significance (1 of 4 stars; one submission).

Submission:

Labcorp Genetics (formerly Invitae), Labcorp
Classification: Uncertain significance. Last evaluated: 2025-02-03. Review status: criteria provided, single submitter. Criteria: Invitae Variant Classification Sherloc (09022015). Collection method: clinical testing. Allele origin: germline.
Comment: This sequence change replaces leucine, which is neutral and non-polar, with proline, which is neutral and non-polar, at codon 467 of the P3H2 protein (p.Leu467Pro). This variant is not present in population databases (gnomAD no frequency). This variant has not been reported in the literature in individuals affected with P3H2-related conditions. ClinVar contains an entry for this variant (Variation ID: 2129986). Invitae Evidence Modeling of protein sequence and biophysical properties (such as structural, functional, and spatial information, amino acid conservation, physicochemical variation, residue mobility, and thermodynamic stability) indicates that this missense variant is expected to disrupt P3H2 protein function with a positive predictive value of 80%. In summary, the available evidence is currently insufficient to determine the role of this variant in disease. Therefore, it has been classified as a Variant of Uncertain Significance.

NM_018192.4(P3H2):c.1400T>C (p.Leu467Pro)

Gene: P3H2 (prolyl 3-hydroxylase 2; minus strand). Cytogenetic location: 3q28.
Variant type: single nucleotide variant.
Coding change: c.1400T>C on transcript NM_018192.4 (MANE Select); coding-DNA position 1400, T replaced by C.
Protein change: p.Leu467Pro; replaces leucine 467 with proline.
Molecular consequence: missense variant.
Genome position (GRCh38, 1-based): chr3:189,974,610, A>G on the plus strand (T>C on the coding strand, the complement: P3H2 is on the minus strand). VCF-style: chr3-189974610-A-G. GRCh37 (hg19) VCF-style: chr3-189692399-A-G.
Other names: c.857T>C, p.Leu286Pro (NM_001134418.2); short protein forms L467P, L286P.
Identifiers: ClinVar variation 2129986 (VCV002129986.4), dbSNP rs2473803233, ClinGen allele CA355754066.